The following is an entry in ClinVar:

NM_003620.4(PPM1D):c.1451del (p.Thr483_Leu484insTer)

Gene: PPM1D (protein phosphatase, Mg2+/Mn2+ dependent 1D; plus strand). Cytogenetic location: 17q23.2.
Variant type: Deletion.
Coding change: c.1451del on transcript NM_003620.4 (MANE Select); coding-DNA position 1451, one base deleted (T; older notation c.1451delT).
Protein change: p.Thr483_Leu484insTer.
Molecular consequence: nonsense.
Genome position (GRCh38, 1-based): chr17:60,663,185, T deleted; the last of 3 consecutive T bases (chr17:60,663,183-60,663,185); deleting any one gives the same sequence. VCF-style (leftmost placement, unchanged base first): chr17-60663182-CT-C. GRCh37 (hg19) VCF-style: chr17-58740543-CT-C.
Identifiers: ClinVar variation 4854678 (VCV004854678.1).

ClinVar aggregate classification (germline): Uncertain significance (1 of 4 stars; one submission).

Conditions:
Intellectual developmental disorder with gastrointestinal difficulties and high pain threshold (JDVS). Also called: JANSEN-DE VRIES SYNDROME. Identifiers: Orphanet 653767, MedGen C4479517, MONDO:0044318, OMIM 617450.

Submission:

3billion
Classification: Uncertain significance for Intellectual developmental disorder with gastrointestinal difficulties and high pain threshold. Last evaluated: 2025-12-06. Review status: criteria provided, single submitter. Criteria: ACMG Guidelines, 2015. Collection method: clinical testing. Allele origin: germline. Affected: yes.
Comment: The variant is observed at an extremely low frequency in the gnomAD v4.1.0 dataset (total allele frequency: <0.001%). Predicted Consequence/Location: Stop-gained (nonsense): predicted to result in a loss or disruption of normal protein function through protein truncation. Multiple pathogenic variants are reported in the predicted truncated region and a dominant negative effect has been reported near truncated region. Therefore, this variant is classified as VUS according to the recommendation of ACMG/AMP guideline.